The following is an entry in ClinVar:

NM_001387430.1(SH2B1):c.1898-205T>C

Gene: SH2B1 (SH2B adaptor protein 1; plus strand). Cytogenetic location: 16p11.2.
Variant type: single nucleotide variant.
Coding change: c.1898-205T>C on transcript NM_001387430.1 (MANE Select); 205 bases into the intron before coding-DNA position 1898, T replaced by C.
Molecular consequence: intron variant. On other transcripts: missense variant (5).
Genome position (GRCh38, 1-based): chr16:28,873,242, T>C. VCF-style: chr16-28873242-T-C. GRCh37 (hg19) VCF-style: chr16-28884563-T-C.
Other names: c.1970T>C, p.Leu657Pro (NM_001145796.2, NM_001145812.2, NM_015503.3); c.2023T>C, p.Ser675Pro (NM_001145797.2); c.962T>C, p.Leu321Pro (NM_001308294.2); c.1898-205T>C (NM_001308293.2, NM_001387404.1, NM_001145795.2); short protein forms L321P, L657P, S675P.
Identifiers: ClinVar variation 3347259 (VCV003347259.1).

ClinVar aggregate classification (germline): Uncertain significance (0 of 4 stars; one submission).

Conditions:
SH2B1-related disorder. Also called: SH2B1-related condition.

Submission:

PreventionGenetics, part of Exact Sciences
Classification: Uncertain significance for SH2B1-related condition. Last evaluated: 2024-05-30. Review status: no assertion criteria provided. Collection method: clinical testing. Allele origin: germline.
Comment: The SH2B1 c.1970T>C variant is predicted to result in the amino acid substitution p.Leu657Pro. To our knowledge, this variant has not been reported in the literature or in a large population database, indicating this variant is rare. At this time, the clinical significance of this variant is uncertain due to the absence of conclusive functional and genetic evidence.